The following is an entry in ClinVar:

ClinVar aggregate classification (germline): Uncertain significance. Review status: criteria provided, multiple submitters, no conflicts (2 of 4 stars). 2 submissions from 2 submitters: Uncertain significance (2). Last evaluated 2025-09-18.

Conditions:
Peutz-Jeghers syndrome (PJS). Also called: Peutz-Jeghers polyposis; Periorificial lentiginosis syndrome; POLYPOSIS, HAMARTOMATOUS INTESTINAL; POLYPS-AND-SPOTS SYNDROME. Identifiers: Orphanet 2869, MedGen C0031269, MeSH D010580, MONDO:0008280, OMIM 175200.
Hereditary cancer-predisposing syndrome. Also called: Neoplastic Syndromes, Hereditary; Hereditary Cancer Syndrome; Tumor predisposition; Hereditary neoplastic syndrome. Identifiers: Orphanet 140162, MedGen C0027672, MeSH D009386, MONDO:0015356.

Submissions (2):

Ambry Genetics
Classification: Uncertain significance for Hereditary cancer-predisposing syndrome. Last evaluated: 2025-09-18. Review status: criteria provided, single submitter. Criteria: Ambry Variant Classification Scheme 2023. Collection method: clinical testing. Allele origin: germline.
Comment: The p.V390A variant (also known as c.1169T>C), located in coding exon 9 of the STK11 gene, results from a T to C substitution at nucleotide position 1169. The valine at codon 390 is replaced by alanine, an amino acid with similar properties. This amino acid position is conserved. In addition, this alteration is predicted to be tolerated by in silico analysis. Since supporting evidence is limited at this time, the clinical significance of this alteration remains unclear.

Labcorp Genetics (formerly Invitae), Labcorp
Classification: Uncertain significance for Peutz-Jeghers syndrome. Last evaluated: 2021-11-29. Review status: criteria provided, single submitter. Criteria: Invitae Variant Classification Sherloc (09022015). Collection method: clinical testing. Allele origin: germline.
Comment: This sequence change replaces valine, which is neutral and non-polar, with alanine, which is neutral and non-polar, at codon 390 of the STK11 protein (p.Val390Ala). In summary, the available evidence is currently insufficient to determine the role of this variant in disease. Therefore, it has been classified as a Variant of Uncertain Significance. Advanced modeling of protein sequence and biophysical properties (such as structural, functional, and spatial information, amino acid conservation, physicochemical variation, residue mobility, and thermodynamic stability) performed at Invitae indicates that this missense variant is not expected to disrupt STK11 protein function. This variant has not been reported in the literature in individuals affected with STK11-related conditions. This variant is not present in population databases (gnomAD no frequency).

NM_000455.5(STK11):c.1169T>C (p.Val390Ala)

Gene: STK11 (serine/threonine kinase 11; plus strand). Cytogenetic location: 19p13.3.
Variant type: single nucleotide variant.
Coding change: c.1169T>C on transcript NM_000455.5 (MANE Select); coding-DNA position 1169, T replaced by C.
Protein change: p.Val390Ala; replaces valine 390 with alanine.
Molecular consequence: missense variant.
Genome position (GRCh38, 1-based): chr19:1,226,514, T>C. VCF-style: chr19-1226514-T-C. GRCh37 (hg19) VCF-style: chr19-1226513-T-C.
Other names: c.1169T>C (NM_000455.4); short protein forms V390A.
Identifiers: ClinVar variation 1468149 (VCV001468149.8), dbSNP rs2145436052, ClinGen allele CA402953497.
Genomic context (GRCh38, chr19:1,226,514, plus strand): 5'-GACAGGTCCCAGAAGAGGAGGCCAGTCACAATGGACAGCGCCGGGGCCTCCCCAAGGCCG[T>C]GTGTATGAACGGCACAGAGGCGGCGCAGCTGAGCACCAAATCCAGGGCGGAGGGCCGGGC-3'
Protein context (NP_000446.1, residues 380-400): NGQRRGLPKA[Val390Ala]CMNGTEAAQL